The following is an entry in ClinVar:

NM_003105.6(SORL1):c.136C>G (p.Arg46Gly)

Genes: SORL1 (sortilin related receptor 1; plus strand), SORL1-AS1 (SORL1 antisense RNA 1; minus strand). Cytogenetic location: 11q24.1.
Variant type: single nucleotide variant.
Coding change: c.136C>G on transcript NM_003105.6 (MANE Select); coding-DNA position 136, C replaced by G.
Protein change: p.Arg46Gly; replaces arginine 46 with glycine.
Molecular consequence: missense variant.
Genome position (GRCh38, 1-based): chr11:121,452,467, C>G. VCF-style: chr11-121452467-C-G. GRCh37 (hg19) VCF-style: chr11-121323176-C-G.
Other names: c.136C>G (NM_003105.5); short protein forms R46G.
Identifiers: ClinVar variation 1532873 (VCV001532873.10), dbSNP rs200826396, ClinGen allele CA6328288.

ClinVar aggregate classification (germline): Likely benign. Review status: criteria provided, single submitter (1 of 4 stars). 2 submissions from 2 submitters: Likely benign (1). 1 of the submissions does not count toward it. Last evaluated 2025-08-04.

Conditions:
SORL1-related disorder. Also called: SORL1-related condition.

Allele frequency attached by ClinVar (database versions not stated): gnomAD 0.00077 and 0.00078; TOPMed 0.00087; 1000 Genomes Project 0.00120; 1000 Genomes Project 30x 0.00156.
gnomAD v4.1: 219 of 1,507,152 alleles (0.015%); highest among the groups gnomAD compares: African/African-American, 0.3%; no homozygotes.

Submissions (2):

Labcorp Genetics (formerly Invitae), Labcorp
Classification: Likely benign. Last evaluated: 2025-08-04. Review status: criteria provided, single submitter. Criteria: Invitae Variant Classification Sherloc (09022015). Collection method: clinical testing. Allele origin: germline.

PreventionGenetics, part of Exact Sciences
Classification: Likely benign for SORL1-related condition. Last evaluated: 2023-04-25. Review status: no assertion criteria provided. Collection method: clinical testing. Allele origin: germline. Not counted in ClinVar's aggregate classification.
Comment: This variant is classified as likely benign based on ACMG/AMP sequence variant interpretation guidelines (Richards et al. 2015 PMID: 25741868, with internal and published modifications).